The following is an entry in ClinVar:

ClinVar aggregate classification (germline): Uncertain significance (1 of 4 stars; one submission).

Allele frequency attached by ClinVar (database versions not stated): gnomAD exomes below 0.00001; TOPMed below 0.00001.
gnomAD v4.1: 4 of 1,589,860 alleles (0.00025%); highest among the groups gnomAD compares: Non-Finnish European, 0.00034%; no homozygotes.

Submission:

Labcorp Genetics (formerly Invitae), Labcorp
Classification: Uncertain significance. Last evaluated: 2022-09-13. Review status: criteria provided, single submitter. Criteria: Invitae Variant Classification Sherloc (09022015). Collection method: clinical testing. Allele origin: germline.
Comment: This sequence change falls in intron 6 of the GATA5 gene. It does not directly change the encoded amino acid sequence of the GATA5 protein. It affects a nucleotide within the consensus splice site. This variant is not present in population databases (gnomAD no frequency). This variant has not been reported in the literature in individuals affected with GATA5-related conditions. Variants that disrupt the consensus splice site are a relatively common cause of aberrant splicing (PMID: 17576681, 9536098). Algorithms developed to predict the effect of sequence changes on RNA splicing suggest that this variant may disrupt the consensus splice site. In summary, the available evidence is currently insufficient to determine the role of this variant in disease. Therefore, it has been classified as a Variant of Uncertain Significance.

Literature cited by the submitters: PubMed 17576681; PubMed 9536098.

NM_080473.5(GATA5):c.1039-3C>A

Gene: GATA5 (GATA binding protein 5; minus strand). Cytogenetic location: 20q13.33.
Variant type: single nucleotide variant.
Coding change: c.1039-3C>A on transcript NM_080473.5 (MANE Select); 3 bases into the intron before coding-DNA position 1039, C replaced by A.
Molecular consequence: intron variant.
Genome position (GRCh38, 1-based): chr20:62,464,994, G>T on the plus strand (C>A on the coding strand, the complement: GATA5 is on the minus strand). VCF-style: chr20-62464994-G-T. GRCh37 (hg19) VCF-style: chr20-61040050-G-T.
Identifiers: ClinVar variation 2030168 (VCV002030168.4), dbSNP rs1989543375, ClinGen allele CA2374279252.